The following is an entry in ClinVar:

ClinVar aggregate classification (germline): Likely pathogenic (1 of 4 stars; one submission).

Conditions:
KDM2A-related neurodevelopmental disorder.

Submission:

Institute of Human Genetics, University of Leipzig Medical Center
Classification: Likely pathogenic for KDM2A-related neurodevelopmental disorder. Last evaluated: 2025-01-20. Review status: criteria provided, single submitter. Criteria: ACMG Guidelines, 2015. Collection method: research. Allele origin: de novo. Inheritance: Autosomal dominant inheritance. Affected: yes.
Comment: Criteria applied: PS2_MOD, PS3_MOD , PM2, PP2, PP3

Literature cited by the submitters: DOI 10.1101/2025.03.31.25324695.

NM_012308.3(KDM2A):c.704C>T (p.Pro235Leu)

Gene: KDM2A (lysine demethylase 2A; plus strand). Cytogenetic location: 11q13.2.
Variant type: single nucleotide variant.
Coding change: c.704C>T on transcript NM_012308.3 (MANE Select); coding-DNA position 704, C replaced by T.
Protein change: p.Pro235Leu; replaces proline 235 with leucine.
Molecular consequence: missense variant. On other transcripts: non-coding transcript variant (1).
Genome position (GRCh38, 1-based): chr11:67,217,747, C>T. VCF-style: chr11-67217747-C-T. GRCh37 (hg19) VCF-style: chr11-66985218-C-T.
Other names: short protein forms P235L.
Identifiers: ClinVar variation 3778805 (VCV003778805.1).